The following is an entry in ClinVar:

ClinVar aggregate classification (germline): Uncertain significance (1 of 4 stars; one submission).

Conditions:
Inborn genetic diseases. Identifiers: MedGen C0950123, MeSH D030342.

Submission:

Ambry Genetics
Classification: Uncertain significance for Inborn genetic diseases. Last evaluated: 2023-09-28. Review status: criteria provided, single submitter. Criteria: Ambry Variant Classification Scheme 2023. Collection method: clinical testing. Allele origin: germline.
Comment: The p.A2366V variant (also known as c.7097C>T), located in coding exon 42 of the ATR gene, results from a C to T substitution at nucleotide position 7097. The alanine at codon 2366 is replaced by valine, an amino acid with similar properties. This amino acid position is conserved. In addition, this alteration is predicted to be deleterious by in silico analysis. Since supporting evidence is limited at this time, the clinical significance of this alteration remains unclear.

NM_001184.4(ATR):c.7097C>T (p.Ala2366Val)

Gene: ATR (ATR checkpoint kinase; minus strand). Cytogenetic location: 3q23.
Variant type: single nucleotide variant.
Coding change: c.7097C>T on transcript NM_001184.4 (MANE Select); coding-DNA position 7097, C replaced by T.
Protein change: p.Ala2366Val; replaces alanine 2366 with valine.
Molecular consequence: missense variant.
Genome position (GRCh38, 1-based): chr3:142,462,035, G>A on the plus strand (C>T on the coding strand, the complement: ATR is on the minus strand). VCF-style: chr3-142462035-G-A. GRCh37 (hg19) VCF-style: chr3-142180877-G-A.
Other names: c.6905C>T, p.Ala2302Val (NM_001354579.2); short protein forms A2302V, A2366V.
Identifiers: ClinVar variation 3221276 (VCV003221276.1), dbSNP rs2108266086, ClinGen allele CA354799736.